The following is an entry in ClinVar:

ClinVar aggregate classification (germline): Uncertain significance. Review status: criteria provided, multiple submitters, no conflicts (2 of 4 stars). 2 submissions from 2 submitters: Uncertain significance (2). Last evaluated 2023-12-18.

Conditions:
Mevalonic aciduria (MEVA). Identifiers: Orphanet 29, MedGen C1959626, MONDO:0012481, OMIM 610377.
Hyperimmunoglobulin D with periodic fever (HIDS). Also called: HYPERIMMUNOGLOBULINEMIA D AND PERIODIC FEVER SYNDROME; Hyperimmunoglobulinemia D with periodic fever; Hyperimmunoglobulinemia D. Identifiers: Orphanet 343, MedGen C0398691, MONDO:0009849, OMIM 260920.
Porokeratosis 3, disseminated superficial actinic type (POROK3). Also called: POROKERATOSIS, DISSEMINATED SUPERFICIAL ACTINIC, 1; POROKERATOSIS 3, MULTIPLE TYPES; POROKERATOSIS 3, MIBELLI TYPE. Identifiers: MedGen C1867981, MONDO:0008293, OMIM 175900.

Allele frequency attached by ClinVar (database versions not stated): 1000 Genomes Project 30x 0.00016; 1000 Genomes Project 0.00020.
gnomAD v4.1: 12 of 1,614,186 alleles (0.00074%); highest among the groups gnomAD compares: South Asian, 0.0055%; no homozygotes.

Submissions (2):

Labcorp Genetics (formerly Invitae), Labcorp
Classification: Uncertain significance for Mevalonic aciduria; Hyperimmunoglobulin D with periodic fever; Porokeratosis 3, disseminated superficial actinic type. Last evaluated: 2023-12-18. Review status: criteria provided, single submitter. Criteria: Invitae Variant Classification Sherloc (09022015). Collection method: clinical testing. Allele origin: germline.
Comment: This sequence change replaces glycine, which is neutral and non-polar, with arginine, which is basic and polar, at codon 198 of the MVK protein (p.Gly198Arg). This variant is present in population databases (rs202172198, gnomAD 0.006%). This variant has not been reported in the literature in individuals affected with MVK-related conditions. ClinVar contains an entry for this variant (Variation ID: 1010201). Advanced modeling of protein sequence and biophysical properties (such as structural, functional, and spatial information, amino acid conservation, physicochemical variation, residue mobility, and thermodynamic stability) performed at Invitae indicates that this missense variant is expected to disrupt MVK protein function with a positive predictive value of 80%. In summary, the available evidence is currently insufficient to determine the role of this variant in disease. Therefore, it has been classified as a Variant of Uncertain Significance.

Blueprint Genetics
Classification: Uncertain significance. Last evaluated: 2019-08-02. Review status: criteria provided, single submitter. Criteria: ACMG Guidelines, 2015. Collection method: clinical testing. Allele origin: germline.

NM_000431.4(MVK):c.592G>A (p.Gly198Arg)

Gene: MVK (mevalonate kinase; plus strand). Cytogenetic location: 12q24.11.
Variant type: single nucleotide variant.
Coding change: c.592G>A on transcript NM_000431.4 (MANE Select); coding-DNA position 592, G replaced by A.
Protein change: p.Gly198Arg; replaces glycine 198 with arginine.
Molecular consequence: missense variant.
Genome position (GRCh38, 1-based): chr12:109,586,086, G>A. VCF-style: chr12-109586086-G-A. GRCh37 (hg19) VCF-style: chr12-110023891-G-A.
Other names: c.592G>A, p.Gly198Arg (NM_001114185.3); c.436G>A, p.Gly146Arg (NM_001301182.2); short protein forms G146R, G198R.
Identifiers: ClinVar variation 1010201 (VCV001010201.10), dbSNP rs202172198, ClinGen allele CA6779303.